The following is an entry in ClinVar:

NM_020207.7(ERCC6L2):c.1753G>C (p.Ala585Pro)

Gene: ERCC6L2 (ERCC excision repair 6 like 2; plus strand). Cytogenetic location: 9q22.32.
Variant type: single nucleotide variant.
Coding change: c.1753G>C on transcript NM_020207.7 (MANE Select); coding-DNA position 1753, G replaced by C.
Protein change: p.Ala585Pro; replaces alanine 585 with proline.
Molecular consequence: missense variant. On other transcripts: non-coding transcript variant (1).
Genome position (GRCh38, 1-based): chr9:95,941,455, G>C. VCF-style: chr9-95941455-G-C. GRCh37 (hg19) VCF-style: chr9-98703737-G-C.
Other names: c.1753G>C, p.Ala585Pro (NM_001010895.4, NM_001375291.1, NM_001375292.1 and 2 more transcripts); short protein forms A585P.
Identifiers: ClinVar variation 4250566 (VCV004250566.1).
Genomic context (GRCh38, chr9:95,941,455, plus strand): 5'-TAGCACAACAGTTAGTTTTTGCTGTTCTAATGTGCTTTTTTTTTTTCTCTTTCCTCCAGG[G>C]CTGGTGGACTAGGCCTCAATTTTGTCGGTGCCAATGTTGTTGTATTATTTGATCCTACTT-3'
Protein context (NP_064592.3, residues 575-595): DVNICLVSTM[Ala585Pro]GGLGLNFVGA

ClinVar aggregate classification (germline): Uncertain significance (1 of 4 stars; one submission).

Conditions:
Inborn genetic diseases. Identifiers: MedGen C0950123, MeSH D030342.

Submission:

Ambry Genetics
Classification: Uncertain significance for Inborn genetic diseases. Last evaluated: 2025-07-01. Review status: criteria provided, single submitter. Criteria: Ambry Variant Classification Scheme 2023. Collection method: clinical testing. Allele origin: germline.
Comment: The p.A585P variant (also known as c.1753G>C), located in coding exon 12 of the ERCC6L2 gene, results from a G to C substitution at nucleotide position 1753. The alanine at codon 585 is replaced by proline, an amino acid with highly similar properties. This amino acid position is conserved. In addition, this alteration is predicted to be deleterious by in silico analysis. Based on the available evidence, the clinical significance of this variant remains unclear.